The following is an entry in ClinVar:

ClinVar aggregate classification (germline): Likely pathogenic (1 of 4 stars; one submission).

Submission:

Labcorp Genetics (formerly Invitae), Labcorp
Classification: Likely pathogenic. Last evaluated: 2022-02-10. Review status: criteria provided, single submitter. Criteria: Invitae Variant Classification Sherloc (09022015). Collection method: clinical testing. Allele origin: germline.
Comment: This sequence change affects an acceptor splice site in intron 2 of the GPR143 gene. It is expected to disrupt RNA splicing. Variants that disrupt the donor or acceptor splice site typically lead to a loss of protein function (PMID: 16199547), and loss-of-function variants in GPR143 are known to be pathogenic (PMID: 15965158, 18978956, 19390656, 21541274, 26160353, 28211458). This variant is not present in population databases (gnomAD no frequency). This variant has not been reported in the literature in individuals affected with GPR143-related conditions. Algorithms developed to predict the effect of sequence changes on RNA splicing suggest that this variant may disrupt the consensus splice site. In summary, the currently available evidence indicates that the variant is pathogenic, but additional data are needed to prove that conclusively. Therefore, this variant has been classified as Likely Pathogenic.

Literature cited by the submitters: PubMed 16199547; PubMed 15965158; PubMed 18978956; PubMed 19390656; PubMed 21541274; PubMed 26160353; PubMed 28211458.

NM_000273.3(GPR143):c.361-1G>T

Gene: GPR143 (G protein-coupled receptor 143; minus strand). Cytogenetic location: Xp22.2.
Variant type: single nucleotide variant.
Coding change: c.361-1G>T on transcript NM_000273.3 (MANE Select); the canonical splice acceptor site of the intron before coding-DNA position 361, G replaced by T.
Molecular consequence: splice acceptor variant.
Genome position (GRCh38, 1-based): chrX:9,759,427, C>A on the plus strand (G>T on the coding strand, the complement: GPR143 is on the minus strand). VCF-style: chrX-9759427-C-A. GRCh37 (hg19) VCF-style: chrX-9727467-C-A.
Identifiers: ClinVar variation 1515078 (VCV001515078.8), dbSNP rs2146699662, ClinGen allele CA411999014.